The following is an entry in ClinVar:

NM_000203.5(IDUA):c.1001T>G (p.Leu334Arg)

Gene: IDUA (alpha-L-iduronidase; plus strand). Cytogenetic location: 4p16.3.
Variant type: single nucleotide variant.
Coding change: c.1001T>G on transcript NM_000203.5 (MANE Select); coding-DNA position 1001, T replaced by G.
Protein change: p.Leu334Arg; replaces leucine 334 with arginine.
Molecular consequence: missense variant. On other transcripts: non-coding transcript variant (1).
Genome position (GRCh38, 1-based): chr4:1,002,297, T>G. VCF-style: chr4-1002297-T-G. GRCh37 (hg19) VCF-style: chr4-996085-T-G.
Other names: c.605T>G, p.Leu202Arg (NM_001363576.1); short protein forms L202R, L334R.
Identifiers: ClinVar variation 1179703 (VCV001179703.10), dbSNP rs753372554, ClinGen allele CA2802159.

ClinVar aggregate classification (germline): Uncertain significance. Review status: criteria provided, multiple submitters, no conflicts (2 of 4 stars). 5 submissions from 5 submitters: Uncertain significance (4). 1 of the submissions does not count toward it. Last evaluated 2026-01-06.

Conditions:
Mucopolysaccharidosis type 1. Also called: Mucopolysaccharidosis Type I; IDUA deficiency; MPS I. Identifiers: Orphanet 579, MedGen C0023786, MONDO:0001586.
Inborn genetic diseases. Identifiers: MedGen C0950123, MeSH D030342.

Allele frequency attached by ClinVar (database versions not stated): ExAC 0.00002; gnomAD exomes 0.00002 and 0.00015; TOPMed 0.00005; gnomAD 0.00006.
gnomAD v4.1: 224 of 1,612,688 alleles (0.014%); highest among the groups gnomAD compares: Non-Finnish European, 0.019%; no homozygotes.

Submissions (5):

Labcorp Genetics (formerly Invitae), Labcorp
Classification: Uncertain significance for Mucopolysaccharidosis type 1. Last evaluated: 2026-01-06. Review status: criteria provided, single submitter. Criteria: Invitae Variant Classification Sherloc (09022015). Collection method: clinical testing. Allele origin: germline.
Comment: This sequence change replaces leucine, which is neutral and non-polar, with arginine, which is basic and polar, at codon 334 of the IDUA protein (p.Leu334Arg). This variant is present in population databases (rs753372554, gnomAD 0.008%). This variant has not been reported in the literature in individuals affected with IDUA-related conditions. ClinVar contains an entry for this variant (Variation ID: 1179703). Invitae Evidence Modeling of protein sequence and biophysical properties (such as structural, functional, and spatial information, amino acid conservation, physicochemical variation, residue mobility, and thermodynamic stability) has been performed for this missense variant. However, the output from this modeling did not meet the statistical confidence thresholds required to predict the impact of this variant on IDUA protein function. In summary, the available evidence is currently insufficient to determine the role of this variant in disease. Therefore, it has been classified as a Variant of Uncertain Significance.

Ambry Genetics
Classification: Uncertain significance for Inborn genetic diseases. Last evaluated: 2024-06-16. Review status: criteria provided, single submitter. Criteria: Ambry Variant Classification Scheme 2023. Collection method: clinical testing. Allele origin: germline.

Revvity Omics, Revvity
Classification: Uncertain significance. Last evaluated: 2021-04-30. Review status: criteria provided, single submitter. Criteria: ACMG Guidelines, 2015. Collection method: clinical testing. Allele origin: germline.

GeneDx
Classification: Uncertain significance. Last evaluated: 2019-11-12. Review status: criteria provided, single submitter. Criteria: GeneDx Variant Classification Process June 2021. Collection method: clinical testing. Allele origin: germline. Affected: yes.
Comment: Not observed at a significant frequency in large population cohorts (Lek et al., 2016); In silico analysis, which includes protein predictors and evolutionary conservation, supports a deleterious effect; Has not been previously published as pathogenic or benign to our knowledge

Natera, Inc.
Classification: Uncertain significance for Mucopolysaccharidosis type I. Last evaluated: 2020-06-19. Review status: no assertion criteria provided. Collection method: clinical testing. Allele origin: germline. Not counted in ClinVar's aggregate classification.